The following is an entry in ClinVar:

ClinVar aggregate classification (germline): Pathogenic/Likely pathogenic. Review status: criteria provided, multiple submitters, no conflicts (2 of 4 stars). 2 submissions from 2 submitters: Pathogenic (1); Likely pathogenic (1). Last evaluated 2026-06-19.

Conditions:
Leigh syndrome (NULS). Also called: LEIGH SYNDROME, NUCLEAR; Subacute necrotizing encephalopathy; Necrotizing encephalopathy infantile subacute of Leigh; Leigh's syndrome; Leigh's necrotizing encephalopathy; Leigh's disease. Identifiers: Orphanet 506, MedGen C2931891, MONDO:0009723, OMIM 256000.
Mitochondrial complex IV deficiency, nuclear type 1 (MC4DN1). Also called: COX DEFICIENCY; Mitochondrial complex IV deficiency; Complex 4 mitochondrial respiratory chain deficiency; Deficiency of mitochondrial respiratory chain complex4; Complex IV deficiency. Identifiers: MedGen C5435656, MONDO:0700250, OMIM 220110. Disease mechanism: loss of function.

Submissions (2):

Kasturba Medical College, Manipal, Kasturba Medical College, Manipal, Manipal Academy of Higher Education, Manipal, India
Classification: Likely pathogenic for Mitochondrial complex IV deficiency, nuclear type 1. Last evaluated: 2026-06-19. Review status: criteria provided, single submitter. Criteria: ACMG Guidelines, 2015. Collection method: research. Allele origin: unknown. Inheritance: Autosomal recessive inheritance. Affected: yes. Observed: 1 variant allele, 1 homozygote.
Comment: This variant is present in heterozygous state in two individuals and absent in homozygous state in the population database gnomAD v4.1.1. This variant is absent in homozygous and/or heterozygous state in our in-house database of 4243 exomes. This variant is predicted to cause shift in the reading frame of the transcript which may either cause the transcript to undergo nonsense-mediated mRNA decay or result in a truncated protein product.

Labcorp Genetics (formerly Invitae), Labcorp
Classification: Pathogenic for Leigh syndrome. Last evaluated: 2021-01-12. Review status: criteria provided, single submitter. Criteria: Invitae Variant Classification Sherloc (09022015). Collection method: clinical testing. Allele origin: germline.
Comment: For these reasons, this variant has been classified as Pathogenic. This variant has been observed in individual(s) with clinical features of SURF1-related conditions (PMID: 27848944). The frequency data for this variant in the population databases is considered unreliable, as metrics indicate insufficient coverage at this position in the ExAC database. This sequence change creates a premature translational stop signal (p.Leu7Glyfs*47) in the SURF1 gene. It is expected to result in an absent or disrupted protein product. Loss-of-function variants in SURF1 are known to be pathogenic (PMID: 10443880, 22488715).

Literature cited by the submitters: PubMed 27848944 (cited by Kasturba Medical College, Manipal, Kasturba Medical College, Manipal, Manipal Academy of Higher Education, Manipal, India and Labcorp Genetics (formerly Invitae), Labcorp); PubMed 10443880 (cited by Labcorp Genetics (formerly Invitae), Labcorp); PubMed 22488715 (cited by Labcorp Genetics (formerly Invitae), Labcorp).

NM_003172.4(SURF1):c.19_35del (p.Leu7fs)

Gene: SURF1 (SURF1 cytochrome c oxidase assembly factor; minus strand). Cytogenetic location: 9q34.2.
Variant type: Deletion.
Coding change: c.19_35del on transcript NM_003172.4 (MANE Select); coding-DNA positions 19 to 35, 17 bases deleted (TTGCAGCTGGGGCTGCG).
Protein change: p.Leu7fs; shifts the reading frame from leucine 7.
Molecular consequence: frameshift variant. On other transcripts: 5 prime UTR variant (1).
Genome position (GRCh38, 1-based): chr9:133,356,419-133,356,435, CGCAGCCCCAGCTGCAA deleted on the plus strand (TTGCAGCTGGGGCTGCG on the coding strand, the reverse complement: SURF1 is on the minus strand); deleting any 17 consecutive bases within chr9:133,356,419-133,356,442 gives the same sequence; the c. name uses the placement nearest the transcript's 3' end. VCF-style (leftmost placement, unchanged base first): chr9-133356418-CCGCAGCCCCAGCTGCAA-C. GRCh37 (hg19) VCF-style: chr9-136223294-CCGCAGCCCCAGCTGCAA-C.
Other names: c.-257_-241del (NM_001280787.1); short protein forms L7fs.
Identifiers: ClinVar variation 1453626 (VCV001453626.9), dbSNP rs1836590086, ClinGen allele CA1129733720.